The following is an entry in ClinVar:

NM_000264.5(PTCH1):c.880C>T (p.Arg294Cys)

Gene: PTCH1 (patched 1; minus strand). Cytogenetic location: 9q22.32.
Variant type: single nucleotide variant.
Coding change: c.880C>T on transcript NM_000264.5 (MANE Select); coding-DNA position 880, C replaced by T.
Protein change: p.Arg294Cys; replaces arginine 294 with cysteine.
Molecular consequence: missense variant. On other transcripts: non-coding transcript variant (1).
Genome position (GRCh38, 1-based): chr9:95,480,455, G>A on the plus strand (C>T on the coding strand, the complement: PTCH1 is on the minus strand). VCF-style: chr9-95480455-G-A. GRCh37 (hg19) VCF-style: chr9-98242737-G-A.
Other names: c.682C>T, p.Arg228Cys (NM_001083602.3); c.877C>T, p.Arg293Cys (NM_001083603.3); c.427C>T, p.Arg143Cys (NM_001083604.3, NM_001083605.3, NM_001083606.3 and 1 more transcripts); c.880C>T, p.Arg294Cys (NM_001354918.2); short protein forms R143C, R228C, R293C, R294C.
Identifiers: ClinVar variation 1025819 (VCV001025819.9), dbSNP rs1841447254, ClinGen allele CA374113888.
Genomic context (GRCh38, chr9:95,480,455, plus strand): 5'-TTGAATTTTTGTTGGGGGCTGTGGCGGGGCAGTCTGGATCGGCCGGATTGAGGCAGGGGC[G>A]GTCCATGTAACCATGACCAACCTCAGCCTTATTCAGCATTTCCTCCCAGCTGTCCACTTG-3'
Protein context (NP_000255.2, residues 284-304): KAEVGHGYMD[Arg294Cys]PCLNPADPDC

ClinVar aggregate classification (germline): Uncertain significance (1 of 4 stars; one submission).

Conditions:
Gorlin syndrome. Also called: Nevoid Basal Cell Carcinoma Syndrome; Basal cell nevus syndrome. Identifiers: Orphanet 377, MedGen C0004779, MONDO:0007187.

Submission:

Labcorp Genetics (formerly Invitae), Labcorp
Classification: Uncertain significance for Gorlin syndrome. Last evaluated: 2020-07-07. Review status: criteria provided, single submitter. Criteria: Invitae Variant Classification Sherloc (09022015). Collection method: clinical testing. Allele origin: germline.
Comment: This variant has not been reported in the literature in individuals with PTCH1-related conditions. Algorithms developed to predict the effect of missense changes on protein structure and function are either unavailable or do not agree on the potential impact of this missense change (SIFT: "Deleterious"; PolyPhen-2: "Probably Damaging"; Align-GVGD: "Class C15"). In summary, the available evidence is currently insufficient to determine the role of this variant in disease. Therefore, it has been classified as a Variant of Uncertain Significance. This sequence change replaces arginine with cysteine at codon 294 of the PTCH1 protein (p.Arg294Cys). The arginine residue is highly conserved and there is a large physicochemical difference between arginine and cysteine. This variant is not present in population databases (ExAC no frequency).